The following is an entry in ClinVar:

GRCh38/hg38 22q11.21(chr22:18178957-21207225)x1

Genes: AIFM3 (AIF family member 3; plus strand), ARVCF (ARVCF delta catenin family member; minus strand), C22orf39 (chromosome 22 open reading frame 39; minus strand), CCDC188 (coiled-coil domain containing 188; minus strand), CDC45 (cell division cycle 45; plus strand) and 190 more. Cytogenetic location: 22q11.21.
Variant type: copy number loss.
Change: copy number 1 (one copy instead of two) of chr22:18,178,957-21,207,225 (3.03 Mb, GRCh38 coordinates, 1-based), cytogenetic band 22q11.21.
Identifiers: ClinVar variation 160956 (VCV000160956.1).

ClinVar aggregate classification (germline): Pathogenic (1 of 4 stars; one submission).

Submission:

ISCA site 4
Classification: Pathogenic. Last evaluated: 2011-08-12. Review status: criteria provided, single submitter. Criteria: Kaminsky et al. (Genet Med. 2011). Collection method: clinical testing. Allele origin: unknown. Affected: yes. Observed: 2 variant alleles.
Comment: Copy number variation identified through the course of routine clinical cytogenomic testing in postnatal populations. Clinical assertions have been curated as described in Kaminsky et al. 2011.